The following is an entry in ClinVar:

NM_144997.7(FLCN):c.445G>C (p.Gly149Arg)

Gene: FLCN (folliculin; minus strand). Cytogenetic location: 17p11.2.
Variant type: single nucleotide variant.
Coding change: c.445G>C on transcript NM_144997.7 (MANE Select); coding-DNA position 445, G replaced by C.
Protein change: p.Gly149Arg; replaces glycine 149 with arginine.
Molecular consequence: missense variant.
Genome position (GRCh38, 1-based): chr17:17,224,095, C>G on the plus strand (G>C on the coding strand, the complement: FLCN is on the minus strand). VCF-style: chr17-17224095-C-G. GRCh37 (hg19) VCF-style: chr17-17127409-C-G.
Other names: c.499G>C, p.Gly167Arg (NM_001353229.2); c.445G>C, p.Gly149Arg (NM_001353230.2, NM_001353231.2, NM_144606.7); short protein forms G149R, G167R.
Identifiers: ClinVar variation 4257932 (VCV004257932.1).
Genomic context (GRCh38, chr17:17,224,095, plus strand): 5'-AGCGCTGGAAGCCCCTGGCCAGGCTGTCCTTGATGAAGAAGGTGTGGCTGAACACAAAGC[C>G]GTGCTGCTCATCTCCGAAGAAGATGGGGCCTTCACGGCCAGGGCAGACCTGGAGGGACAC-3'
Protein context (NP_659434.2, residues 139-159): GPIFFGDEQH[Gly149Arg]FVFSHTFFIK

ClinVar aggregate classification (germline): Uncertain significance (1 of 4 stars; one submission).

Conditions:
Hereditary cancer-predisposing syndrome. Also called: Hereditary Cancer Syndrome; Hereditary neoplastic syndrome; Neoplastic Syndromes, Hereditary; Tumor predisposition. Identifiers: Orphanet 140162, MedGen C0027672, MeSH D009386, MONDO:0015356.

Submission:

Ambry Genetics
Classification: Uncertain significance for Hereditary cancer-predisposing syndrome. Last evaluated: 2025-07-28. Review status: criteria provided, single submitter. Criteria: Ambry Variant Classification Scheme 2023. Collection method: clinical testing. Allele origin: germline.
Comment: The p.G149R variant (also known as c.445G>C), located in coding exon 3 of the FLCN gene, results from a G to C substitution at nucleotide position 445. The glycine at codon 149 is replaced by arginine, an amino acid with dissimilar properties. This amino acid position is conserved. In addition, this alteration is predicted to be deleterious by in silico analysis. Based on the available evidence, the clinical significance of this variant remains unclear.